The following is an entry in ClinVar:

NM_000901.5(NR3C2):c.1654C>T (p.Pro552Ser)

Gene: NR3C2 (nuclear receptor subfamily 3 group C member 2; minus strand). Cytogenetic location: 4q31.23.
Variant type: single nucleotide variant.
Coding change: c.1654C>T on transcript NM_000901.5 (MANE Select); coding-DNA position 1654, C replaced by T.
Protein change: p.Pro552Ser; replaces proline 552 with serine.
Molecular consequence: missense variant. On other transcripts: non-coding transcript variant (1).
Genome position (GRCh38, 1-based): chr4:148,435,207, G>A on the plus strand (C>T on the coding strand, the complement: NR3C2 is on the minus strand). VCF-style: chr4-148435207-G-A. GRCh37 (hg19) VCF-style: chr4-149356359-G-A.
Other names: c.1654C>T, p.Pro552Ser (NM_001166104.2, NM_001354819.1); short protein forms P552S.
Identifiers: ClinVar variation 3300958 (VCV003300958.4).

ClinVar aggregate classification (germline): Uncertain significance. Review status: criteria provided, multiple submitters, no conflicts (2 of 4 stars). 3 submissions from 3 submitters: Uncertain significance (3). Last evaluated 2026-09-09.

Conditions:
Autosomal dominant pseudohypoaldosteronism type 1. Also called: Pseudohypoaldosteronism, Type I, Autosomal Dominant; PHA I, AUTOSOMAL DOMINANT; Pseudohypoaldosteronism, Type I, Dominant. Identifiers: Orphanet 171871, Orphanet 756, MedGen C1449842, MONDO:0008329, OMIM 177735.
Pseudohyperaldosteronism type 2. Identifiers: Orphanet 88660, MedGen C1854631, MONDO:0011517, OMIM 605115.
Inborn genetic diseases. Identifiers: MedGen C0950123, MeSH D030342.

gnomAD v4.1: 12 of 1,614,186 alleles (0.00074%); highest among the groups gnomAD compares: African/African-American, 0.0027%; no homozygotes.

Submissions (3):

Ambry Genetics
Classification: Uncertain significance for Inborn genetic diseases. Last evaluated: 2026-09-09. Review status: criteria provided, single submitter. Criteria: Ambry Variant Classification Scheme 2023. Collection method: clinical testing. Allele origin: germline.

Labcorp Genetics (formerly Invitae), Labcorp
Classification: Uncertain significance. Last evaluated: 2025-02-26. Review status: criteria provided, single submitter. Criteria: Invitae Variant Classification Sherloc (09022015). Collection method: clinical testing. Allele origin: germline.
Comment: This sequence change replaces proline, which is neutral and non-polar, with serine, which is neutral and polar, at codon 552 of the NR3C2 protein (p.Pro552Ser). This variant is not present in population databases (gnomAD no frequency). This variant has not been reported in the literature in individuals affected with NR3C2-related conditions. ClinVar contains an entry for this variant (Variation ID: 3300958). Invitae Evidence Modeling of protein sequence and biophysical properties (such as structural, functional, and spatial information, amino acid conservation, physicochemical variation, residue mobility, and thermodynamic stability) indicates that this missense variant is not expected to disrupt NR3C2 protein function with a negative predictive value of 80%. In summary, the available evidence is currently insufficient to determine the role of this variant in disease. Therefore, it has been classified as a Variant of Uncertain Significance.

Fulgent Genetics
Classification: Uncertain significance for Autosomal dominant pseudohypoaldosteronism type 1; Pseudohyperaldosteronism type 2. Last evaluated: 2024-02-29. Review status: criteria provided, single submitter. Criteria: ACMG Guidelines, 2015. Collection method: clinical testing. Allele origin: germline.